The following is an entry in ClinVar:

ClinVar aggregate classification (germline): Uncertain significance (1 of 4 stars; one submission).

Conditions:
Hypertrophic cardiomyopathy. Also called: HYPERTROPHIC MYOCARDIOPATHY. Identifiers: Orphanet 217569, MedGen C0007194, MeSH D002312, MONDO:0005045, HP:0001639.

Submission:

Labcorp Genetics (formerly Invitae), Labcorp
Classification: Uncertain significance for Hypertrophic cardiomyopathy. Last evaluated: 2025-08-03. Review status: criteria provided, single submitter. Criteria: Invitae Variant Classification Sherloc (09022015). Collection method: clinical testing. Allele origin: germline.
Comment: This variant results in the deletion of part of exon 29 (c.4070-4_4082del) of the MYOM1 gene. It is expected to disrupt RNA splicing. Variants that disrupt the donor or acceptor splice site typically lead to a loss of protein function (PMID: 16199547), however the current clinical and genetic evidence is not sufficient to establish whether loss-of-function variants in MYOM1 cause disease. This variant is not present in population databases (gnomAD no frequency). This variant has not been reported in the literature in individuals affected with MYOM1-related conditions. In summary, the available evidence is currently insufficient to determine the role of this variant in disease. Therefore, it has been classified as a Variant of Uncertain Significance.

Literature cited by the submitters: PubMed 16199547.

NM_003803.4(MYOM1):c.4070-4_4082del

Gene: MYOM1 (myomesin 1; minus strand). Cytogenetic location: 18p11.31.
Variant type: Deletion.
Coding change: c.4070-4_4082del on transcript NM_003803.4 (MANE Select); 4 bases into the intron before coding-DNA position 4070 through coding-DNA position 4082, 17 bases deleted (ATAGGTCCTCACTTTGT).
Molecular consequence: splice acceptor variant.
Genome position (GRCh38, 1-based): chr18:3,089,229-3,089,245, ACAAAGTGAGGACCTAT deleted on the plus strand (ATAGGTCCTCACTTTGT on the coding strand, the reverse complement: MYOM1 is on the minus strand); deleting any 17 consecutive bases within chr18:3,089,229-3,089,246 gives the same sequence; the c. name uses the placement nearest the transcript's 3' end. VCF-style (leftmost placement, unchanged base first): chr18-3089228-AACAAAGTGAGGACCTAT-A. GRCh37 (hg19) VCF-style: chr18-3089226-AACAAAGTGAGGACCTAT-A.
Other names: c.3782-4_3794del (NM_019856.2).
Identifiers: ClinVar variation 4724690 (VCV004724690.1).